The following is an entry in ClinVar:

NM_005188.4(CBL):c.1790A>C (p.Lys597Thr)

Gene: CBL (Cbl proto-oncogene; plus strand). Cytogenetic location: 11q23.3.
Variant type: single nucleotide variant.
Coding change: c.1790A>C on transcript NM_005188.4 (MANE Select); coding-DNA position 1790, A replaced by C.
Protein change: p.Lys597Thr; replaces lysine 597 with threonine.
Molecular consequence: missense variant.
Genome position (GRCh38, 1-based): chr11:119,285,415, A>C. VCF-style: chr11-119285415-A-C. GRCh37 (hg19) VCF-style: chr11-119156125-A-C.
Other names: short protein forms K597T.
Identifiers: ClinVar variation 3367847 (VCV003367847.2).

ClinVar aggregate classification (germline): Uncertain significance. Review status: criteria provided, multiple submitters, no conflicts (2 of 4 stars). 2 submissions from 2 submitters: Uncertain significance (2). Last evaluated 2024-09-27.

Conditions:
Cardiovascular phenotype. Identifiers: MedGen CN230736.

Submissions (2):

Ambry Genetics
Classification: Uncertain significance for Cardiovascular phenotype. Last evaluated: 2024-09-27. Review status: criteria provided, single submitter. Criteria: Ambry Variant Classification Scheme 2023. Collection method: clinical testing. Allele origin: germline.

GeneDx
Classification: Uncertain significance. Last evaluated: 2024-01-14. Review status: criteria provided, single submitter. Criteria: GeneDx Variant Classification Process June 2021. Collection method: clinical testing. Allele origin: germline. Affected: yes.
Comment: Not observed at significant frequency in large population cohorts (gnomAD); In silico analysis supports that this missense variant does not alter protein structure/function; Has not been previously published as pathogenic or benign to our knowledge; This variant is associated with the following publications: (PMID: 20619386)